The following is an entry in ClinVar:

ClinVar aggregate classification (germline): Benign. Review status: criteria provided, multiple submitters, no conflicts (2 of 4 stars). 3 submissions from 3 submitters: Benign (2). 1 of the submissions does not count toward it. Last evaluated 2026-01-22.

Conditions:
DISP1-related disorder. Also called: DISP1-related condition.

Allele frequency attached by ClinVar (database versions not stated): gnomAD exomes 0.00073 and 0.00198; ExAC 0.00251; gnomAD 0.00740 and 0.00784; ESP Exome Variant Server 0.00761; TOPMed 0.00815; 1000 Genomes Project 0.01098; 1000 Genomes Project 30x 0.01218.

Submissions (3):

Labcorp Genetics (formerly Invitae), Labcorp
Classification: Benign. Last evaluated: 2026-01-22. Review status: criteria provided, single submitter. Criteria: Invitae Variant Classification Sherloc (09022015). Collection method: clinical testing. Allele origin: germline.

Breakthrough Genomics
Classification: Benign. Review status: criteria provided, single submitter. Criteria: ACMG Guidelines, 2015. Collection method: not provided. Allele origin: germline. Inheritance: Unknown mechanism. Affected: yes.

PreventionGenetics, part of Exact Sciences
Classification: Benign for DISP1-related condition. Last evaluated: 2019-04-18. Review status: no assertion criteria provided. Collection method: clinical testing. Allele origin: germline. Not counted in ClinVar's aggregate classification.
Comment: This variant is classified as benign based on ACMG/AMP sequence variant interpretation guidelines (Richards et al. 2015 PMID: 25741868, with internal and published modifications).

NM_001377229.1(DISP1):c.3273C>T (p.Phe1091=)

Gene: DISP1 (dispatched RND transporter family member 1; plus strand). Cytogenetic location: 1q41.
Variant type: single nucleotide variant.
Coding change: c.3273C>T on transcript NM_001377229.1 (MANE Select); coding-DNA position 3273, C replaced by T.
Protein change: p.Phe1091=; no amino-acid change (phenylalanine 1091 retained).
Molecular consequence: synonymous variant.
Genome position (GRCh38, 1-based): chr1:223,004,670, C>T. VCF-style: chr1-223004670-C-T. GRCh37 (hg19) VCF-style: chr1-223178012-C-T.
Other names: c.2544C>T, p.Phe848= (NM_001350630.2); c.3273C>T, p.Phe1091= (NM_001369594.1, NM_001377228.1, NM_032890.5).
Identifiers: ClinVar variation 712496 (VCV000712496.13), dbSNP rs149359302, ClinGen allele CA1409384.